The following is an entry in ClinVar:

NM_001130438.3(SPTAN1):c.6405C>T (p.Arg2135=)

Gene: SPTAN1 (spectrin alpha, non-erythrocytic 1; plus strand). Cytogenetic location: 9q34.11.
Variant type: single nucleotide variant.
Coding change: c.6405C>T on transcript NM_001130438.3 (MANE Select); coding-DNA position 6405, C replaced by T.
Protein change: p.Arg2135=; no amino-acid change (arginine 2135 retained).
Molecular consequence: synonymous variant.
Genome position (GRCh38, 1-based): chr9:128,626,516, C>T. VCF-style: chr9-128626516-C-T. GRCh37 (hg19) VCF-style: chr9-131388795-C-T.
Other names: c.6330C>T, p.Arg2110= (NM_001195532.2); c.6405C>T, p.Arg2135= (NM_001363759.2, NM_001375310.1, NM_001375311.2 and 1 more transcripts); c.6345C>T, p.Arg2115= (NM_001363765.2, NM_001375314.2); c.6441C>T, p.Arg2147= (NM_001375312.2, NM_001375318.1); c.6390C>T, p.Arg2130= (NM_003127.4).
Identifiers: ClinVar variation 1499390 (VCV001499390.17), dbSNP rs767640999, ClinGen allele CA5265701.

ClinVar aggregate classification (germline): Likely benign. Review status: criteria provided, multiple submitters, no conflicts (2 of 4 stars). 2 submissions from 2 submitters: Likely benign (2). Last evaluated 2025-06-01.

Conditions:
Early-infantile DEE. Also called: Ohtahara syndrome; Early infantile epileptic encephalopathy; Early infantile epileptic encephalopathy with suppression bursts. Identifiers: Orphanet 1934, MedGen C0393706, MONDO:0800491.

Allele frequency attached by ClinVar (database versions not stated): gnomAD exomes 0.00001 and 0.00003; ExAC 0.00004; gnomAD 0.00009; TOPMed 0.00011.
gnomAD v4.1: 28 of 1,613,922 alleles (0.0017%); highest among the groups gnomAD compares: African/African-American, 0.027%; no homozygotes.

Submissions (2):

CeGaT Center for Human Genetics Tuebingen
Classification: Likely benign. Last evaluated: 2025-06-01. Review status: criteria provided, single submitter. Criteria: CeGaT Center For Human Genetics Tuebingen Variant Classification Criteria Version 2. Collection method: clinical testing. Allele origin: germline. Affected: yes. Observed: 1 variant allele.
Comment: SPTAN1: BP4, BP7

Labcorp Genetics (formerly Invitae), Labcorp
Classification: Likely benign for Early-infantile DEE. Last evaluated: 2024-05-09. Review status: criteria provided, single submitter. Criteria: Invitae Variant Classification Sherloc (09022015). Collection method: clinical testing. Allele origin: germline.